The following is an entry in ClinVar:

ClinVar aggregate classification (germline): Conflicting classifications of pathogenicity. Review status: criteria provided, conflicting classifications (1 of 4 stars). 3 submissions from 3 submitters: Uncertain significance (1); Likely benign (2). Last evaluated 2025-11-10.

Conditions:
Hereditary cancer-predisposing syndrome. Also called: Tumor predisposition; Hereditary neoplastic syndrome; Hereditary Cancer Syndrome; Neoplastic Syndromes, Hereditary. Identifiers: Orphanet 140162, MedGen C0027672, MeSH D009386, MONDO:0015356.
Familial adenomatous polyposis 1 (FAP1). Also called: FAMILIAL ADENOMATOUS POLYPOSIS 1, ATTENUATED; POLYPOSIS, ADENOMATOUS INTESTINAL. Identifiers: MedGen C2713442, MONDO:0021056, OMIM 175100. Disease mechanism: loss of function.

gnomAD v4.1: 2 of 1,610,882 alleles (0.00012%); highest among the groups gnomAD compares: Non-Finnish European, 0.000085%; no homozygotes.

Submissions (3):

Labcorp Genetics (formerly Invitae), Labcorp
Classification: Likely benign for Familial adenomatous polyposis 1. Last evaluated: 2025-11-10. Review status: criteria provided, single submitter. Criteria: Invitae Variant Classification Sherloc (09022015). Collection method: clinical testing. Allele origin: germline.

Myriad Genetics, Inc.
Classification: Likely benign for Familial adenomatous polyposis 1. Last evaluated: 2024-03-07. Review status: criteria provided, single submitter. Criteria: Myriad Autosomal Dominant, Autosomal Recessive and X-Linked Classification Criteria (2023). Collection method: clinical testing. Allele origin: unknown.
Comment: This variant is considered likely benign. This variant is intronic and is not expected to impact mRNA splicing.

Color Diagnostics, LLC DBA Color Health
Classification: Uncertain significance for Hereditary cancer-predisposing syndrome. Last evaluated: 2020-06-08. Review status: criteria provided, single submitter. Criteria: ACMG Guidelines, 2015. Collection method: clinical testing. Allele origin: germline.
Comment: This variant causes a T to C nucleotide substitution at the -12 position of intron 12 of the APC gene. To our knowledge, functional studies have not been reported for this variant. This variant has not been reported in individuals affected with hereditary cancer in the literature. This variant has not been identified in the general population by the Genome Aggregation Database (gnomAD). The available evidence is insufficient to determine the role of this variant in disease conclusively. Therefore, this variant is classified as a Variant of Uncertain Significance.

NM_000038.6(APC):c.1549-12T>C

Gene: APC (APC regulator of Wnt signaling pathway; plus strand). Cytogenetic location: 5q22.2.
Variant type: single nucleotide variant.
Coding change: c.1549-12T>C on transcript NM_000038.6 (MANE Select); 12 bases into the intron before coding-DNA position 1549, T replaced by C.
Molecular consequence: intron variant.
Genome position (GRCh38, 1-based): chr5:112,827,917, T>C. VCF-style: chr5-112827917-T-C. GRCh37 (hg19) VCF-style: chr5-112163614-T-C.
Other names: c.1549-12T>C (NM_001354895.2, NM_001127510.3); c.1579-12T>C (NM_001354897.2); c.1276-12T>C (NM_001354902.2); c.1495-12T>C (NM_001127511.3); c.1474-12T>C (NM_001354898.2); c.1171-12T>C (NM_001354904.2); c.700-12T>C (NM_001354906.2); c.1603-12T>C (NM_001354896.2); and 5 more.
Identifiers: ClinVar variation 1171993 (VCV001171993.11), dbSNP rs2149813051, ClinGen allele CA2499217451.